The following is an entry in ClinVar:

ClinVar aggregate classification (germline): Benign (0 of 4 stars; one submission).

Conditions:
RECQL5-related disorder. Also called: RECQL5-related condition.

Allele frequency attached by ClinVar (database versions not stated): gnomAD 0.03847; TOPMed 0.04031.

Submissions (24):

PreventionGenetics, part of Exact Sciences
Classification: Benign for RECQL5-related condition. Last evaluated: 2019-10-30. Review status: no assertion criteria provided. Collection method: clinical testing. Allele origin: germline.
Comment: This variant is classified as benign based on ACMG/AMP sequence variant interpretation guidelines (Richards et al. 2015 PMID: 25741868, with internal and published modifications).

Dr. Peter K. Rogan Lab, Western University
No classification provided (evidence only). Condition: Clear cell carcinoma of kidney. Review status: no classification provided. Collection method: in vitro. Allele origin: not applicable. Functional consequence: retained intron. Not counted in ClinVar's aggregate classification.

Dr. Peter K. Rogan Lab, Western University
No classification provided (evidence only). Condition: Clear cell carcinoma of kidney. Review status: no classification provided. Collection method: in vitro. Allele origin: not applicable. Functional consequence: retained intron. Not counted in ClinVar's aggregate classification.

Dr. Peter K. Rogan Lab, Western University
No classification provided (evidence only). Condition: Lung cancer. Review status: no classification provided. Collection method: in vitro. Allele origin: not applicable. Functional consequence: retained intron. Not counted in ClinVar's aggregate classification.

Dr. Peter K. Rogan Lab, Western University
No classification provided (evidence only). Condition: Familial cancer of breast. Review status: no classification provided. Collection method: in vitro. Allele origin: not applicable. Functional consequence: retained intron. Not counted in ClinVar's aggregate classification.

Dr. Peter K. Rogan Lab, Western University
No classification provided (evidence only). Condition: Familial cancer of breast. Review status: no classification provided. Collection method: in vitro. Allele origin: not applicable. Functional consequence: retained intron. Not counted in ClinVar's aggregate classification.

Dr. Peter K. Rogan Lab, Western University
No classification provided (evidence only). Condition: Familial cancer of breast. Review status: no classification provided. Collection method: in vitro. Allele origin: not applicable. Functional consequence: retained intron. Not counted in ClinVar's aggregate classification.

Dr. Peter K. Rogan Lab, Western University
No classification provided (evidence only). Condition: Familial cancer of breast. Review status: no classification provided. Collection method: in vitro. Allele origin: not applicable. Functional consequence: retained intron. Not counted in ClinVar's aggregate classification.

Dr. Peter K. Rogan Lab, Western University
No classification provided (evidence only). Condition: Familial cancer of breast. Review status: no classification provided. Collection method: in vitro. Allele origin: not applicable. Functional consequence: retained intron. Not counted in ClinVar's aggregate classification.

Dr. Peter K. Rogan Lab, Western University
No classification provided (evidence only). Condition: Familial cancer of breast. Review status: no classification provided. Collection method: in vitro. Allele origin: not applicable. Functional consequence: retained intron. Not counted in ClinVar's aggregate classification.

Dr. Peter K. Rogan Lab, Western University
No classification provided (evidence only). Condition: Familial cancer of breast. Review status: no classification provided. Collection method: in vitro. Allele origin: not applicable. Functional consequence: retained intron. Not counted in ClinVar's aggregate classification.

Dr. Peter K. Rogan Lab, Western University
No classification provided (evidence only). Condition: Familial cancer of breast. Review status: no classification provided. Collection method: in vitro. Allele origin: not applicable. Functional consequence: retained intron. Not counted in ClinVar's aggregate classification.

Dr. Peter K. Rogan Lab, Western University
No classification provided (evidence only). Condition: Familial cancer of breast. Review status: no classification provided. Collection method: in vitro. Allele origin: not applicable. Functional consequence: retained intron. Not counted in ClinVar's aggregate classification.

Dr. Peter K. Rogan Lab, Western University
No classification provided (evidence only). Condition: Familial cancer of breast. Review status: no classification provided. Collection method: in vitro. Allele origin: not applicable. Functional consequence: retained intron. Not counted in ClinVar's aggregate classification.

Dr. Peter K. Rogan Lab, Western University
No classification provided (evidence only). Condition: Familial cancer of breast. Review status: no classification provided. Collection method: in vitro. Allele origin: not applicable. Functional consequence: retained intron. Not counted in ClinVar's aggregate classification.

Dr. Peter K. Rogan Lab, Western University
No classification provided (evidence only). Condition: Familial cancer of breast. Review status: no classification provided. Collection method: in vitro. Allele origin: not applicable. Functional consequence: retained intron. Not counted in ClinVar's aggregate classification.

Dr. Peter K. Rogan Lab, Western University
No classification provided (evidence only). Condition: Uterine corpus endometrial carcinoma. Review status: no classification provided. Collection method: in vitro. Allele origin: not applicable. Functional consequence: retained intron. Not counted in ClinVar's aggregate classification.

Dr. Peter K. Rogan Lab, Western University
No classification provided (evidence only). Condition: Malignant lymphoma, large B-cell, diffuse. Review status: no classification provided. Collection method: in vitro. Allele origin: not applicable. Functional consequence: retained intron. Not counted in ClinVar's aggregate classification.

Dr. Peter K. Rogan Lab, Western University
No classification provided (evidence only). Condition: Malignant lymphoma, large B-cell, diffuse. Review status: no classification provided. Collection method: in vitro. Allele origin: not applicable. Functional consequence: retained intron. Not counted in ClinVar's aggregate classification.

Dr. Peter K. Rogan Lab, Western University
No classification provided (evidence only). Condition: Hepatocellular carcinoma. Review status: no classification provided. Collection method: in vitro. Allele origin: not applicable. Functional consequence: retained intron. Not counted in ClinVar's aggregate classification.

Dr. Peter K. Rogan Lab, Western University
No classification provided (evidence only). Condition: Cholangiocarcinoma. Review status: no classification provided. Collection method: in vitro. Allele origin: not applicable. Functional consequence: retained intron. Not counted in ClinVar's aggregate classification.

Dr. Peter K. Rogan Lab, Western University
No classification provided (evidence only). Condition: Cholangiocarcinoma. Review status: no classification provided. Collection method: in vitro. Allele origin: not applicable. Functional consequence: retained intron. Not counted in ClinVar's aggregate classification.

Dr. Peter K. Rogan Lab, Western University
No classification provided (evidence only). Condition: Ovarian serous cystadenocarcinoma. Review status: no classification provided. Collection method: in vitro. Allele origin: not applicable. Functional consequence: retained intron. Not counted in ClinVar's aggregate classification.

Dr. Peter K. Rogan Lab, Western University
No classification provided (evidence only). Condition: Gastric cancer. Review status: no classification provided. Collection method: in vitro. Allele origin: not applicable. Functional consequence: retained intron. Not counted in ClinVar's aggregate classification.

NM_004259.7(RECQL5):c.1586-7C>A

Gene: RECQL5 (RecQ like helicase 5; minus strand). Cytogenetic location: 17q25.1.
Variant type: single nucleotide variant.
Coding change: c.1586-7C>A on transcript NM_004259.7 (MANE Select); 7 bases into the intron before coding-DNA position 1586, C replaced by A.
Molecular consequence: intron variant.
Genome position (GRCh38, 1-based): chr17:75,630,844, G>T on the plus strand (C>A on the coding strand, the complement: RECQL5 is on the minus strand). VCF-style: chr17-75630844-G-T. GRCh37 (hg19) VCF-style: chr17-73626924-G-T.
Other names: NC_000017.10:g.73626924G>T.
Identifiers: ClinVar variation 3059997 (VCV003059997.3), dbSNP rs113150921, ClinGen allele CA8767382.